The following is an entry in ClinVar:

NM_006648.4(WNK2):c.255C>G (p.Ile85Met)

Gene: WNK2 (WNK lysine deficient protein kinase 2; plus strand). Cytogenetic location: 9q22.31.
Variant type: single nucleotide variant.
Coding change: c.255C>G on transcript NM_006648.4 (MANE Select); coding-DNA position 255, C replaced by G.
Protein change: p.Ile85Met; replaces isoleucine 85 with methionine.
Molecular consequence: missense variant.
Genome position (GRCh38, 1-based): chr9:93,185,184, C>G. VCF-style: chr9-93185184-C-G. GRCh37 (hg19) VCF-style: chr9-95947466-C-G.
Other names: c.255C>G, p.Ile85Met (NM_001282394.3); short protein forms I85M.
Identifiers: ClinVar variation 3470426 (VCV003470426.1).

ClinVar aggregate classification (germline): Uncertain significance (1 of 4 stars; one submission).

gnomAD v4.1: 1 of 1,188,222 alleles (0.000084%); highest among the groups gnomAD compares: Admixed American, 0.0044%; no homozygotes.

Submission:

Ambry Genetics
Classification: Uncertain significance. Last evaluated: 2024-11-25. Review status: criteria provided, single submitter. Criteria: Ambry Variant Classification Scheme 2023. Collection method: clinical testing. Allele origin: germline.
Comment: The p.I85M variant (also known as c.255C>G), located in coding exon 1 of the WNK2 gene, results from a C to G substitution at nucleotide position 255. The isoleucine at codon 85 is replaced by methionine, an amino acid with highly similar properties. This amino acid position is conserved. In addition, this alteration is predicted to be tolerated by in silico analysis. Based on the available evidence, the clinical significance of this variant remains unclear.